The following is an entry in ClinVar:

NM_052845.4(MMAB):c.660_661del (p.Phe221fs)

Gene: MMAB (metabolism of cobalamin associated B; minus strand). Cytogenetic location: 12q24.11.
Variant type: Microsatellite.
Coding change: c.660_661del on transcript NM_052845.4 (MANE Select); coding-DNA positions 660 to 661, 2 bases deleted (CT; older notation c.660_661delCT).
Protein change: p.Phe221fs; shifts the reading frame from phenylalanine 221.
Molecular consequence: frameshift variant. On other transcripts: non-coding transcript variant (1).
Genome position (GRCh38, 1-based): chr12:109,557,120-109,557,121, AG deleted on the plus strand (CT on the coding strand, the reverse complement: MMAB is on the minus strand); deleting any 2 consecutive bases within chr12:109,557,120-109,557,124 gives the same sequence; the c. name uses the placement nearest the transcript's 3' end. VCF-style (leftmost placement, unchanged base first): chr12-109557119-AAG-A. GRCh37 (hg19) VCF-style: chr12-109994924-AAG-A.
Other names: short protein forms F221fs.
Identifiers: ClinVar variation 553302 (VCV000553302.11), dbSNP rs1383825118, ClinGen allele CA607285346.

ClinVar aggregate classification (germline): Pathogenic/Likely pathogenic. Review status: criteria provided, multiple submitters, no conflicts (2 of 4 stars). 3 submissions from 3 submitters: Pathogenic (1); Likely pathogenic (1). 1 of the submissions does not count toward it. Last evaluated 2024-04-29.

Conditions:
Methylmalonic aciduria, cblB type (MACB). Also called: Vitamin B12-responsive methylmalonic acidemia type cblB; METHYLMALONIC ACIDURIA, VITAMIN B12-RESPONSIVE, DUE TO DEFECT IN SYNTHESIS OF ADENOSYLCOBALAMIN, cblB TYPE; Methylmalonic acidemia cblB type. Identifiers: Orphanet 28, Orphanet 79311, MedGen C1855102, MONDO:0009614, OMIM 251110.

Submissions (3):

Natera, Inc.
Classification: Likely pathogenic for Methylmalonic aciduria cblB type. Last evaluated: 2024-04-29. Review status: criteria provided, single submitter. Criteria: Natera Variant Classification Schema (03/2026). Collection method: clinical testing. Allele origin: germline.
Comment: The c.660_661delCT variant in MMAB is a frameshift variant predicted to shift the reading frame beginning at codon 221 and leads to a stop codon 21 codons downstream. This variant is expected to result in nonsense mediated decay, truncation, or a dysfunctional protein product. This variant is rare in the general population with a frequency below the threshold expected for the associated phenotype(s). Given the available evidence, this variant is classified as Likely Pathogenic.

Labcorp Genetics (formerly Invitae), Labcorp
Classification: Pathogenic for Methylmalonic aciduria, cblB type. Last evaluated: 2023-02-17. Review status: criteria provided, single submitter. Criteria: Invitae Variant Classification Sherloc (09022015). Collection method: clinical testing. Allele origin: germline.
Comment: For these reasons, this variant has been classified as Pathogenic. This variant is present in population databases (no rsID available, gnomAD 0.007%). This variant has not been reported in the literature in individuals affected with MMAB-related conditions. ClinVar contains an entry for this variant (Variation ID: 553302). This variant disrupts a region of the MMAB protein in which other variant(s) (p.Gln234*) have been determined to be pathogenic (PMID: 16410054, 21604717). This suggests that this is a clinically significant region of the protein, and that variants that disrupt it are likely to be disease-causing. This sequence change creates a premature translational stop signal (p.Phe221Hisfs*21) in the MMAB gene. While this is not anticipated to result in nonsense mediated decay, it is expected to disrupt the last 30 amino acid(s) of the MMAB protein.

Counsyl
Classification: Likely pathogenic for Methylmalonic aciduria, cblB type. Last evaluated: 2017-08-23. Review status: no assertion criteria provided. Collection method: clinical testing. Allele origin: unknown. Not counted in ClinVar's aggregate classification.

Literature cited by the submitters: PubMed 16410054 (cited by Labcorp Genetics (formerly Invitae), Labcorp); PubMed 21604717 (cited by Labcorp Genetics (formerly Invitae), Labcorp).